The following is an entry in ClinVar:

ClinVar aggregate classification (germline): Uncertain significance. Review status: criteria provided, multiple submitters, no conflicts (2 of 4 stars). 5 submissions from 5 submitters: Uncertain significance (5). Last evaluated 2024-05-28.

Conditions:
Renal tubular acidosis with progressive nerve deafness. Also called: Distal Renal Tubular Acidosis with Progressive Sensorineural Deafness; renal tubular acidosis, distal, 2, with progressive sensorineural hearing loss; RENAL TUBULAR ACIDOSIS, AUTOSOMAL RECESSIVE, WITH PROGRESSIVE NERVE DEAFNESS; RTA WITH PROGRESSIVE NERVE DEAFNESS. Identifiers: MedGen C0403554, MONDO:0009968, OMIM 267300.
Inborn genetic diseases. Identifiers: MedGen C0950123, MeSH D030342.

Allele frequency attached by ClinVar (database versions not stated): TOPMed below 0.00001; gnomAD exomes 0.00002.
gnomAD v4.1: 34 of 1,613,670 alleles (0.0021%); highest among the groups gnomAD compares: Non-Finnish European, 0.0026%; no homozygotes.

Submissions (5):

Ambry Genetics
Classification: Uncertain significance for Inborn genetic diseases. Last evaluated: 2024-05-28. Review status: criteria provided, single submitter. Criteria: Ambry Variant Classification Scheme 2023. Collection method: clinical testing. Allele origin: germline.

Fulgent Genetics
Classification: Uncertain significance for Renal tubular acidosis with progressive nerve deafness. Last evaluated: 2022-02-09. Review status: criteria provided, single submitter. Criteria: ACMG Guidelines, 2015. Collection method: clinical testing. Allele origin: unknown.

Labcorp Genetics (formerly Invitae), Labcorp
Classification: Uncertain significance. Last evaluated: 2022-01-15. Review status: criteria provided, single submitter. Criteria: Invitae Variant Classification Sherloc (09022015). Collection method: clinical testing. Allele origin: germline.
Comment: This sequence change replaces lysine, which is basic and polar, with glutamine, which is neutral and polar, at codon 58 of the ATP6V1B1 protein (p.Lys58Gln). This variant is present in population databases (no rsID available, gnomAD 0.007%). This variant has not been reported in the literature in individuals affected with ATP6V1B1-related conditions. Algorithms developed to predict the effect of missense changes on protein structure and function are either unavailable or do not agree on the potential impact of this missense change (SIFT: "Deleterious"; PolyPhen-2: "Benign"; Align-GVGD: "Class C0"). In summary, the available evidence is currently insufficient to determine the role of this variant in disease. Therefore, it has been classified as a Variant of Uncertain Significance.

GeneDx
Classification: Uncertain significance. Last evaluated: 2021-11-04. Review status: criteria provided, single submitter. Criteria: GeneDx Variant Classification Process June 2021. Collection method: clinical testing. Allele origin: germline. Affected: yes.
Comment: Not observed at significant frequency in large population cohorts (gnomAD); In silico analysis supports that this missense variant has a deleterious effect on protein structure/function; Has not been previously published as pathogenic or benign to our knowledge

Blueprint Genetics
Classification: Uncertain significance. Last evaluated: 2019-01-09. Review status: criteria provided, single submitter. Criteria: ACMG Guidelines, 2015. Collection method: clinical testing. Allele origin: germline.

NM_001692.4(ATP6V1B1):c.172A>C (p.Lys58Gln)

Genes: ATP6V1B1 (ATPase H+ transporting V1 subunit B1; plus strand), ATP6V1B1-AS1 (ATP6V1B1 antisense RNA 1; minus strand). Cytogenetic location: 2p13.3.
Variant type: single nucleotide variant.
Coding change: c.172A>C on transcript NM_001692.4 (MANE Select); coding-DNA position 172, A replaced by C.
Protein change: p.Lys58Gln; replaces lysine 58 with glutamine.
Molecular consequence: missense variant.
Genome position (GRCh38, 1-based): chr2:70,943,711, A>C. VCF-style: chr2-70943711-A-C. GRCh37 (hg19) VCF-style: chr2-71170841-A-C.
Other names: short protein forms K58Q.
Identifiers: ClinVar variation 1683918 (VCV001683918.7), dbSNP rs1553416813, ClinGen allele CA347178607.
Genomic context (GRCh38, chr2:70,943,711, plus strand): 5'-CCCCCAGCCTACAGGACTGTGTGCAGCGTGAACGGGCCCCTGGTGGTGCTGGACCGGGTC[A>C]AGGTAAGACTCTTCTGCTGCCTCCCTGGCACTAAGGCCAAATCCCAGGGCGCCTCTCCCC-3'
Protein context (NP_001683.2, residues 48-68): NGPLVVLDRV[Lys58Gln]FAQYAEIVHF